The following is an entry in ClinVar:

ClinVar aggregate classification (germline): Uncertain significance (1 of 4 stars; one submission).

Submission:

Ambry Genetics
Classification: Uncertain significance. Last evaluated: 2025-05-16. Review status: criteria provided, single submitter. Criteria: Ambry Variant Classification Scheme 2023. Collection method: clinical testing. Allele origin: germline.
Comment: The p.P1674T variant (also known as c.5020C>A), located in coding exon 21 of the WNK2 gene, results from a C to A substitution at nucleotide position 5020. The proline at codon 1674 is replaced by threonine, an amino acid with highly similar properties. This amino acid position is conserved. In addition, this alteration is predicted to be tolerated by in silico analysis. Based on the available evidence, the clinical significance of this variant remains unclear.

NM_006648.4(WNK2):c.5020C>A (p.Pro1674Thr)

Gene: WNK2 (WNK lysine deficient protein kinase 2; plus strand). Cytogenetic location: 9q22.31.
Variant type: single nucleotide variant.
Coding change: c.5020C>A on transcript NM_006648.4 (MANE Select); coding-DNA position 5020, C replaced by A.
Protein change: p.Pro1674Thr; replaces proline 1674 with threonine.
Molecular consequence: missense variant.
Genome position (GRCh38, 1-based): chr9:93,292,391, C>A. VCF-style: chr9-93292391-C-A. GRCh37 (hg19) VCF-style: chr9-96054673-C-A.
Other names: c.5131C>A, p.Pro1711Thr (NM_001282394.3); short protein forms P1711T, P1674T.
Identifiers: ClinVar variation 3982042 (VCV003982042.1).
Genomic context (GRCh38, chr9:93,292,391, plus strand): 5'-CTAGGCTATGACAGAGATGGAAGGCAGGTGGCCTCAGACTCCCATGTGGTCCCCAGCGTC[C>A]CCCAGGTAAGGGCGACTTGACGACCCCCTGGCTGGTTGGCAGGGTTTGCTCTGTGCTGAT-3'
Protein context (NP_006639.3, residues 1664-1684): ASDSHVVPSV[Pro1674Thr]QDVPAFVRPA